The following is an entry in ClinVar:

NM_001009944.3(PKD1):c.6048C>G (p.Asp2016Glu)

Gene: PKD1 (polycystin 1, transient receptor potential channel interacting; minus strand). Cytogenetic location: 16p13.3.
Variant type: single nucleotide variant.
Coding change: c.6048C>G on transcript NM_001009944.3 (MANE Select); coding-DNA position 6048, C replaced by G.
Protein change: p.Asp2016Glu; replaces aspartic acid 2016 with glutamic acid.
Molecular consequence: missense variant.
Genome position (GRCh38, 1-based): chr16:2,109,119, G>C on the plus strand (C>G on the coding strand, the complement: PKD1 is on the minus strand). VCF-style: chr16-2109119-G-C. GRCh37 (hg19) VCF-style: chr16-2159120-G-C.
Other names: c.6048C>G, p.Asp2016Glu (NM_000296.4); c.6048C>G (NM_000296.3); short protein forms D2016E.
Identifiers: ClinVar variation 997267 (VCV000997267.8), dbSNP rs767363184, ClinGen allele CA7831750.

ClinVar aggregate classification (germline): Uncertain significance. Review status: criteria provided, multiple submitters, no conflicts (2 of 4 stars). 5 submissions from 5 submitters: Uncertain significance (3). 2 of the submissions do not count toward it. Last evaluated 2022-03-29.

Conditions:
Polycystic kidney disease, adult type (PKD1). Also called: POLYCYSTIC KIDNEY DISEASE, ADULT, TYPE I; Polycystic Kidney Disease 1, Autosomal Dominant; Polycystic kidney disease 1; Polycystic kidney disease 1, severe; Polycystic Kidney, Autosomal Dominant; POLYCYSTIC KIDNEY DISEASE 1 WITH OR WITHOUT POLYCYSTIC LIVER DISEASE. Identifiers: MedGen C3149841, MONDO:0008263, OMIM 173900.
Inborn genetic diseases. Identifiers: MedGen C0950123, MeSH D030342.
PKD1-related disorder. Also called: PKD1-related condition.
Polycystic kidney disease. Also called: Polycystic kidney dysplasia; Kidney, Polycystic. Identifiers: MedGen C0022680, MeSH D007690, MONDO:0020642, HP:0000113.

Allele frequency attached by ClinVar (database versions not stated): gnomAD 0.00004 and 0.00003; gnomAD exomes 0.00004; ExAC 0.00005; TOPMed 0.00006; 1000 Genomes Project 30x 0.00031.
gnomAD v4.1: 66 of 1,602,858 alleles (0.0041%); highest among the groups gnomAD compares: Middle Eastern, 0.11%; no homozygotes.

Submissions (5):

Ambry Genetics
Classification: Uncertain significance for Inborn genetic diseases. Last evaluated: 2022-03-29. Review status: criteria provided, single submitter. Criteria: Ambry Variant Classification Scheme 2023. Collection method: clinical testing. Allele origin: germline.

Fulgent Genetics
Classification: Uncertain significance for Polycystic kidney disease, adult type. Last evaluated: 2021-10-14. Review status: criteria provided, single submitter. Criteria: ACMG Guidelines, 2015. Collection method: clinical testing. Allele origin: unknown.

GeneDx
Classification: Uncertain significance. Last evaluated: 2019-12-13. Review status: criteria provided, single submitter. Criteria: GeneDx Variant Classification Process June 2021. Collection method: clinical testing. Allele origin: germline. Affected: yes.
Comment: In silico analysis, which includes protein predictors and evolutionary conservation, supports that this variant does not alter protein structure/function; Has not been previously published as pathogenic or benign to our knowledge

PreventionGenetics, part of Exact Sciences
Classification: Uncertain significance for PKD1-related condition. Last evaluated: 2024-04-03. Review status: no assertion criteria provided. Collection method: clinical testing. Allele origin: germline. Not counted in ClinVar's aggregate classification.
Comment: The PKD1 c.6048C>G variant is predicted to result in the amino acid substitution p.Asp2016Glu. To our knowledge, this variant has not been reported in the literature. This variant is reported in 0.014% of alleles in individuals of Latino descent in gnomAD. At this time, the clinical significance of this variant is uncertain due to the absence of conclusive functional and genetic evidence.

Department of Pathology and Laboratory Medicine, Sinai Health System
Classification: Uncertain significance for Polycystic Kidney disease. Review status: no assertion criteria provided. Collection method: clinical testing. Allele origin: unknown. Affected: yes. Study: The Canadian Open Genetics Repository (COGR). Not counted in ClinVar's aggregate classification.
Comment: The PKD1 p.Asp2016Glu variant was not identified in the literature nor was it identified in the ClinVar, GeneInsight-COGR, LOVD 3.0, ADPKD Mutation Database, PKD1-LOVD, databases. The variant was identified in dbSNP (ID: rs767363184), database. The variant was identified in control databases in 11 of 269936 chromosomes at a frequency of 0.00004 (Genome Aggregation Database Feb 27, 2017). Breakdown of the observations by population include Other in 1 of 6328 chromosomes (freq: 0.0002), Latino in 5 of 34308 chromosomes (freq: 0.0001), European Non-Finnish in 5 of 122874 chromosomes (freq: 0.00004), while the variant was not observed in the African, Ashkenazi Jewish, East Asian, European Finnish, and South Asian populations. In addition we cannot be certain that data from control databases is specific to PKD1 and not from one of the six PKD1 pseudogenes. The p.Asp2016 residue is conserved in in mammals but not in more distantly related organisms however computational analyses (PolyPhen-2, SIFT, AlignGVGD, BLOSUM, MutationTaster) do not suggest a high likelihood of impact to the protein; this information is not predictive enough to rule out pathogenicity. The variant occurs outside of the splicing consensus sequence and 3 of 5 in silico or computational prediction software programs (SpliceSiteFinder, MaxEntScan, NNSPLICE, GeneSplicer, HumanSpliceFinder) predict a greater than 10% difference in splicing. However, this information is not predictive enough to assume pathogenicity. In summary, based on the above information, the clinical significance of this variant cannot be determined with certainty at this time. This variant is classified as a variant of uncertain significance.